The following is an entry in ClinVar:

ClinVar aggregate classification (germline): Uncertain significance. Review status: criteria provided, multiple submitters, no conflicts (2 of 4 stars). 2 submissions from 2 submitters: Uncertain significance (2). Last evaluated 2026-07-02.

Conditions:
TTN-related disorder. Also called: TTN-related disorders; TTN-related condition; TTN-related disease.
Cardiovascular phenotype. Identifiers: MedGen CN230736.

Allele frequency attached by ClinVar (database versions not stated): gnomAD exomes 0.00001; TOPMed 0.00002; ExAC 0.00003; gnomAD 0.00003.
gnomAD v4.1: 11 of 1,613,580 alleles (0.00068%); highest among the groups gnomAD compares: Admixed American, 0.01%; no homozygotes.

Submissions (2):

PreventionGenetics, part of Exact Sciences
Classification: Uncertain significance for TTN-related condition. Last evaluated: 2026-07-02. Review status: criteria provided, single submitter. Criteria: ACMG Guidelines, 2015. Collection method: clinical testing. Allele origin: germline.
Comment: The TTN c.94885G>A variant is predicted to result in the amino acid substitution p.Ala31629Thr. To our knowledge, this variant has not been reported in the literature or in a large population database (gnomAD), indicating this variant is rare. At this time, the clinical significance of this variant is uncertain due to the absence of conclusive functional and genetic evidence.

Ambry Genetics
Classification: Uncertain significance for Cardiovascular phenotype. Last evaluated: 2018-12-11. Review status: criteria provided, single submitter. Criteria: Ambry Variant Classification Scheme 2023. Collection method: clinical testing. Allele origin: germline.
Comment: The p.A22564T variant (also known as c.67690G>A), located in coding exon 169 of the TTN gene, results from a G to A substitution at nucleotide position 67690. The alanine at codon 22564 is replaced by threonine, an amino acid with similar properties. This amino acid position is highly conserved in available vertebrate species. In addition, this alteration is predicted to be tolerated by in silico analysis. Since supporting evidence is limited at this time, the clinical significance of this alteration remains unclear.

NM_001267550.2(TTN):c.94885G>A (p.Ala31629Thr)

Genes: TTN (titin; minus strand), TTN-AS1 (TTN antisense RNA 1; plus strand). Cytogenetic location: 2q31.2.
Variant type: single nucleotide variant.
Coding change: c.94885G>A on transcript NM_001267550.2 (MANE Select); coding-DNA position 94885, G replaced by A.
Protein change: p.Ala31629Thr; replaces alanine 31629 with threonine.
Molecular consequence: missense variant.
Genome position (GRCh38, 1-based): chr2:178,546,446, C>T on the plus strand (G>A on the coding strand, the complement: TTN is on the minus strand). VCF-style: chr2-178546446-C-T. GRCh37 (hg19) VCF-style: chr2-179411173-C-T.
Other names: c.89962G>A, p.Ala29988Thr (NM_001256850.1); c.67690G>A, p.Ala22564Thr (NM_003319.4); c.87181G>A, p.Ala29061Thr (NM_133378.4); c.68065G>A, p.Ala22689Thr (NM_133432.3); c.68266G>A, p.Ala22756Thr (NM_133437.4); short protein forms A22689T, A29988T, A31629T, A22564T, A22756T, A29061T.
Identifiers: ClinVar variation 1755322 (VCV001755322.3), dbSNP rs758521497, ClinGen allele CA1987049.